The following is an entry in ClinVar:

ClinVar aggregate classification (germline): Uncertain significance. Review status: criteria provided, multiple submitters, no conflicts (2 of 4 stars). 2 submissions from 2 submitters: Uncertain significance (2). Last evaluated 2024-08-12.

Conditions:
Neuroblastoma, susceptibility to, 3. Also called: ALK-Related Neuroblastic Tumor Susceptibility. Identifiers: Orphanet 635, MedGen C2751681, MONDO:0013083, OMIM 613014.
Hereditary cancer-predisposing syndrome. Also called: Neoplastic Syndromes, Hereditary; Hereditary neoplastic syndrome; Hereditary Cancer Syndrome; Tumor predisposition. Identifiers: Orphanet 140162, MedGen C0027672, MeSH D009386, MONDO:0015356.

Submissions (2):

Ambry Genetics
Classification: Uncertain significance for Hereditary cancer-predisposing syndrome. Last evaluated: 2024-08-12. Review status: criteria provided, single submitter. Criteria: Ambry Variant Classification Scheme 2023. Collection method: clinical testing. Allele origin: germline.
Comment: The p.G1552V variant (also known as c.4655G>T), located in coding exon 29 of the ALK gene, results from a G to T substitution at nucleotide position 4655. The glycine at codon 1552 is replaced by valine, an amino acid with dissimilar properties. This amino acid position is conserved. In addition, this alteration is predicted to be tolerated by in silico analysis. Based on the available evidence, the clinical significance of this variant remains unclear.

Labcorp Genetics (formerly Invitae), Labcorp
Classification: Uncertain significance for Neuroblastoma, susceptibility to, 3. Last evaluated: 2023-06-16. Review status: criteria provided, single submitter. Criteria: Invitae Variant Classification Sherloc (09022015). Collection method: clinical testing. Allele origin: germline.
Comment: In summary, the available evidence is currently insufficient to determine the role of this variant in disease. Therefore, it has been classified as a Variant of Uncertain Significance. An algorithm developed to predict the effect of missense changes on protein structure and function (PolyPhen-2) suggests that this variant is likely to be disruptive. ClinVar contains an entry for this variant (Variation ID: 999110). This variant has not been reported in the literature in individuals affected with ALK-related conditions. This variant is not present in population databases (gnomAD no frequency). This sequence change replaces glycine, which is neutral and non-polar, with valine, which is neutral and non-polar, at codon 1552 of the ALK protein (p.Gly1552Val).

NM_004304.5(ALK):c.4655G>T (p.Gly1552Val)

Gene: ALK (ALK receptor tyrosine kinase; minus strand). Cytogenetic location: 2p23.2.
Variant type: single nucleotide variant.
Coding change: c.4655G>T on transcript NM_004304.5 (MANE Select); coding-DNA position 4655, G replaced by T.
Protein change: p.Gly1552Val; replaces glycine 1552 with valine.
Molecular consequence: missense variant.
Genome position (GRCh38, 1-based): chr2:29,193,432, C>A on the plus strand (G>T on the coding strand, the complement: ALK is on the minus strand). VCF-style: chr2-29193432-C-A. GRCh37 (hg19) VCF-style: chr2-29416298-C-A.
Other names: c.4655G>T (NM_004304.4); c.1451G>T, p.Gly484Val (NM_001353765.2); short protein forms G1552V, G484V.
Identifiers: ClinVar variation 999110 (VCV000999110.9), dbSNP rs1668929634, ClinGen allele CA346460516.